The following is an entry in ClinVar:

NM_014956.5(CEP164):c.1328C>T (p.Pro443Leu)

Gene: CEP164 (centrosomal protein 164; plus strand). Cytogenetic location: 11q23.3.
Variant type: single nucleotide variant.
Coding change: c.1328C>T on transcript NM_014956.5 (MANE Select); coding-DNA position 1328, C replaced by T.
Protein change: p.Pro443Leu; replaces proline 443 with leucine.
Molecular consequence: missense variant.
Genome position (GRCh38, 1-based): chr11:117,380,624, C>T. VCF-style: chr11-117380624-C-T. GRCh37 (hg19) VCF-style: chr11-117251340-C-T.
Other names: c.1328C>T, p.Pro443Leu (NM_001271933.2, NM_001440949.1, NM_001440950.1 and 16 more transcripts); c.1250C>T, p.Pro417Leu (NM_001440952.1, NM_001440954.1, NM_001440955.1 and 16 more transcripts); c.1190C>T, p.Pro397Leu (NM_001440960.1); c.1169C>T, p.Pro390Leu (NM_001440972.1); short protein forms P390L, P397L, P443L, P417L.
Identifiers: ClinVar variation 4977010 (VCV004977010.1).

ClinVar aggregate classification (germline): Uncertain significance (1 of 4 stars; one submission).

Conditions:
CEP164-related disorder. Also called: CEP164-related condition.

gnomAD v4.1: 7 of 1,601,890 alleles (0.00044%); highest among the groups gnomAD compares: East Asian, 0.009%; no homozygotes.

Submission:

PreventionGenetics, part of Exact Sciences
Classification: Uncertain significance for CEP164-related condition. Last evaluated: 2025-06-10. Review status: criteria provided, single submitter. Criteria: ACMG Guidelines, 2015. Collection method: clinical testing. Allele origin: germline.
Comment: The CEP164 c.1328C>T variant is predicted to result in the amino acid substitution p.Pro443Leu. To our knowledge, this variant has not been reported in the literature. This variant is reported in 0.017% of alleles in individuals of East Asian descent in gnomAD. At this time, the clinical significance of this variant is uncertain due to the absence of conclusive functional and genetic evidence.